The following is an entry in ClinVar:

NM_001009944.3(PKD1):c.7913A>G (p.His2638Arg)

Gene: PKD1 (polycystin 1, transient receptor potential channel interacting; minus strand). Cytogenetic location: 16p13.3.
Variant type: single nucleotide variant.
Coding change: c.7913A>G on transcript NM_001009944.3 (MANE Select); coding-DNA position 7913, A replaced by G.
Protein change: p.His2638Arg; replaces histidine 2638 with arginine.
Molecular consequence: missense variant.
Genome position (GRCh38, 1-based): chr16:2,105,425, T>C on the plus strand (A>G on the coding strand, the complement: PKD1 is on the minus strand). VCF-style: chr16-2105425-T-C. GRCh37 (hg19) VCF-style: chr16-2155426-T-C.
Other names: c.7913A>G, p.His2638Arg (NM_000296.4); short protein forms H2638R.
Identifiers: ClinVar variation 257008 (VCV000257008.20), dbSNP rs9936785, ClinGen allele CA7830812.

ClinVar aggregate classification (germline): Benign/Likely benign. Review status: criteria provided, multiple submitters, no conflicts (2 of 4 stars). 9 submissions from 9 submitters: Benign (7); Likely benign (1). 1 of the submissions does not count toward it. Last evaluated 2025-06-04.

Conditions:
Autosomal dominant polycystic kidney disease. Identifiers: Orphanet 730, MedGen C0085413, MONDO:0004691.
Polycystic kidney disease, adult type (PKD1). Also called: Polycystic Kidney, Autosomal Dominant; Polycystic Kidney Disease 1, Autosomal Dominant; Polycystic kidney disease 1; Polycystic kidney disease 1, severe; POLYCYSTIC KIDNEY DISEASE 1 WITH OR WITHOUT POLYCYSTIC LIVER DISEASE; POLYCYSTIC KIDNEY DISEASE, ADULT, TYPE I. Identifiers: MedGen C3149841, MONDO:0008263, OMIM 173900.
Polycystic kidney disease. Also called: Polycystic kidney dysplasia; Kidney, Polycystic. Identifiers: MedGen C0022680, MeSH D007690, MONDO:0020642, HP:0000113.

Allele frequency attached by ClinVar (database versions not stated): gnomAD exomes 0.04003 and 0.04400; ExAC 0.04164; 1000 Genomes Project 0.13558; 1000 Genomes Project 30x 0.17395; gnomAD 0.18159 and 0.19138; TOPMed 0.19921.
gnomAD v4.1: 81,996 of 1,477,104 alleles (5.6%); highest among the groups gnomAD compares: African/African-American, 35%; 8,441 homozygotes.

Submissions (9):

Women's Health and Genetics/Laboratory Corporation of America, LabCorp
Classification: Likely benign. Last evaluated: 2025-06-04. Review status: criteria provided, single submitter. Criteria: LabCorp Variant Classification Summary - May 2015. Collection method: clinical testing. Allele origin: germline.

Blueprint Genetics
Classification: Benign. Last evaluated: 2024-11-27. Review status: criteria provided, single submitter. Criteria: ACMG Guidelines, 2015. Collection method: clinical testing. Allele origin: germline.

Mayo Clinic Laboratories, Mayo Clinic
Classification: Benign. Last evaluated: 2022-04-26. Review status: criteria provided, single submitter. Criteria: ACMG Guidelines, 2015. Collection method: clinical testing. Allele origin: germline. Observed: 216 variant alleles.

ARUP Laboratories, Molecular Genetics and Genomics, ARUP Laboratories
Classification: Benign for Polycystic kidney disease, adult type. Last evaluated: 2020-07-07. Review status: criteria provided, single submitter. Criteria: ARUP Molecular Germline Variant Investigation Process. Collection method: clinical testing. Allele origin: germline.

GeneDx
Classification: Benign. Last evaluated: 2019-12-30. Review status: criteria provided, single submitter. Criteria: GeneDx Variant Classification Process June 2021. Collection method: clinical testing. Allele origin: germline. Affected: yes.
Comment: This variant is associated with the following publications: (PMID: 11571556, 22008521, 22383692)

Molecular Genetics of Inherited Kidney Disorders Laboratory, Garvan Institute of Medical Research
Classification: Benign for Autosomal dominant polycystic kidney disease. Last evaluated: 2019-01-01. Review status: criteria provided, single submitter. Criteria: ACMG Guidelines, 2015. Collection method: research. Allele origin: germline. Affected: yes.

Breakthrough Genomics
Classification: Benign. Review status: criteria provided, single submitter. Criteria: ACMG Guidelines, 2015. Collection method: not provided. Allele origin: germline. Inheritance: Autosomal dominant inheritance. Affected: yes.

PreventionGenetics, part of Exact Sciences
Classification: Benign. Review status: criteria provided, single submitter. Criteria: ACMG Guidelines, 2015. Collection method: clinical testing. Allele origin: germline.

Department of Pathology and Laboratory Medicine, Sinai Health System
Classification: Benign for Polycystic Kidney disease. Review status: no assertion criteria provided. Collection method: clinical testing. Allele origin: unknown. Affected: yes. Study: The Canadian Open Genetics Repository (COGR). Not counted in ClinVar's aggregate classification.
Comment: The PKD1 p.His2638Arg variant was identified in 56 of 674 proband chromosomes (frequency: 0.083) from individuals or families with ADPKD or renal disease, and was not identified in 100 control chromosomes from healthy individuals (Bataille 2011, Bouba 2001, McCluskey 2002, Rossetti 2012). All the studies have identified the variant as a polymorphism. The p.His2638Arg variant was identified in the dbSNP (ID: rs9936785) with unknown clinical significance with a minor allele frequency 0.1356 (679 of 5007 chromosomes in 1000 Genome Project). The variant was identified in Exome Aggregation Consortium (ExAC) database (released March 14, 2016) in 4424 of 106234 chromosomes, 501 of which are homozygous (frequency: 0.04164) or 192 of 6148 of European (Finnish), 2099 of 57384 European (Non-Finnish), 177 of 10876 Latino, 1653 of 6824 African, 228 of 16016, South Asians, 33 of 790 Other and in 42 of 8196 East Asians chromosomes. The variant was identified in PKD Mutation Database and classified as â€šÃ„Ãºlikely neutralâ€šÃ„Ã¹; and in GeneInsight the variant was identified by one submitter and classified as benign. In Clinvitae the variant was identified by EmyClass and identified as benign. The p.His2638 residue is not conserved in mammals and computational analyses (PolyPhen-2, SIFT, AlignGVGD, BLOSUM, MutationTaster) provide inconsistent predictions regarding the impact to the protein; this information is not very predictive of pathogenicity. In summary, based on the above information, this variant meets our laboratory criteria to be classified as benign.